The following is an entry in ClinVar:

ClinVar aggregate classification (germline): Conflicting classifications of pathogenicity. Review status: criteria provided, conflicting classifications (1 of 4 stars). 2 submissions from 2 submitters: Uncertain significance (1); Likely benign (1). Last evaluated 2025-10-12.

Conditions:
Inborn genetic diseases. Identifiers: MedGen C0950123, MeSH D030342.
Atrial fibrillation, familial, 11 (ATFB11). Identifiers: MedGen C3279693, MONDO:0013544, OMIM 614049.
Atrial standstill 1 (ATRST1). Also called: Atrial standstill, digenic (GJA5/SCN5A); ATRIAL CARDIOMYOPATHY WITH HEART BLOCK; CARDIOMYOPATHY, FAMILIAL, WITH CONDUCTION DISTURBANCE. Identifiers: Orphanet 1344, MedGen C4551959, MONDO:0007171, OMIM 108770.

Allele frequency attached by ClinVar (database versions not stated): gnomAD exomes below 0.00001; gnomAD 0.00001; TOPMed 0.00001.
gnomAD v4.1: 9 of 1,614,014 alleles (0.00056%); highest among the groups gnomAD compares: Non-Finnish European, 0.00076%; no homozygotes.

Submissions (2):

Labcorp Genetics (formerly Invitae), Labcorp
Classification: Uncertain significance for Atrial fibrillation, familial, 11; Atrial standstill 1. Last evaluated: 2025-10-12. Review status: criteria provided, single submitter. Criteria: Invitae Variant Classification Sherloc (09022015). Collection method: clinical testing. Allele origin: germline.
Comment: This sequence change replaces glycine, which is neutral and non-polar, with alanine, which is neutral and non-polar, at codon 166 of the GJA5 protein (p.Gly166Ala). This variant is present in population databases (no rsID available, gnomAD 0.0009%). This variant has not been reported in the literature in individuals affected with GJA5-related conditions. ClinVar contains an entry for this variant (Variation ID: 2182825). Invitae Evidence Modeling of protein sequence and biophysical properties (such as structural, functional, and spatial information, amino acid conservation, physicochemical variation, residue mobility, and thermodynamic stability) indicates that this missense variant is not expected to disrupt GJA5 protein function with a negative predictive value of 80%. In summary, the available evidence is currently insufficient to determine the role of this variant in disease. Therefore, it has been classified as a Variant of Uncertain Significance.

Ambry Genetics
Classification: Likely benign for Inborn genetic diseases. Last evaluated: 2024-08-20. Review status: criteria provided, single submitter. Criteria: Ambry Variant Classification Scheme 2023. Collection method: clinical testing. Allele origin: germline.

NM_181703.4(GJA5):c.497G>C (p.Gly166Ala)

Gene: GJA5 (gap junction protein alpha 5; minus strand). Cytogenetic location: 1q21.2.
Variant type: single nucleotide variant.
Coding change: c.497G>C on transcript NM_181703.4 (MANE Select); coding-DNA position 497, G replaced by C.
Protein change: p.Gly166Ala; replaces glycine 166 with alanine.
Molecular consequence: missense variant.
Genome position (GRCh38, 1-based): chr1:147,758,742, C>G on the plus strand (G>C on the coding strand, the complement: GJA5 is on the minus strand). VCF-style: chr1-147758742-C-G. GRCh37 (hg19) VCF-style: chr1-147230850-C-G.
Other names: c.497G>C, p.Gly166Ala (NM_005266.7); c.497G>C (NM_005266.5); short protein forms G166A.
Identifiers: ClinVar variation 2182825 (VCV002182825.5), dbSNP rs1245381241, ClinGen allele CA342395955.